The following is an entry in ClinVar:

ClinVar aggregate classification (germline): Uncertain significance (1 of 4 stars; one submission).

gnomAD v4.1: 2 of 1,613,652 alleles (0.00012%); highest among the groups gnomAD compares: Non-Finnish European, 0.000085%; no homozygotes.

Submission:

Labcorp Genetics (formerly Invitae), Labcorp
Classification: Uncertain significance. Last evaluated: 2022-02-22. Review status: criteria provided, single submitter. Criteria: Invitae Variant Classification Sherloc (09022015). Collection method: clinical testing. Allele origin: germline.
Comment: In summary, the available evidence is currently insufficient to determine the role of this variant in disease. Therefore, it has been classified as a Variant of Uncertain Significance. Algorithms developed to predict the effect of missense changes on protein structure and function output the following: SIFT: "Deleterious"; PolyPhen-2: "Benign"; Align-GVGD: "Class C65". The aspartic acid amino acid residue is found in multiple mammalian species, which suggests that this missense change does not adversely affect protein function. This variant has not been reported in the literature in individuals affected with PRCD-related conditions. This variant is present in population databases (no rsID available, gnomAD 0.0009%). This sequence change replaces glycine, which is neutral and non-polar, with aspartic acid, which is acidic and polar, at codon 36 of the PRCD protein (p.Gly36Asp).

NM_001077620.3(PRCD):c.107G>A (p.Gly36Asp)

Genes: CYGB (cytoglobin; minus strand), PRCD (photoreceptor disc component; plus strand). Cytogenetic location: 17q25.1.
Variant type: single nucleotide variant.
Coding change: c.107G>A on transcript NM_001077620.3 (MANE Select); coding-DNA position 107, G replaced by A.
Protein change: p.Gly36Asp; replaces glycine 36 with aspartic acid.
Molecular consequence: missense variant. On other transcripts: non-coding transcript variant (1).
Genome position (GRCh38, 1-based): chr17:76,540,537, G>A. VCF-style: chr17-76540537-G-A. GRCh37 (hg19) VCF-style: chr17-74536619-G-A.
Other names: short protein forms G36D.
Identifiers: ClinVar variation 1980001 (VCV001980001.4), dbSNP rs1227914077, ClinGen allele CA401182428.
Genomic context (GRCh38, chr17:76,540,537, plus strand): 5'-TCTTCCTCCCTACTCTTGCCTCCCACAGAGAGCCCAGCGACGTGGATGGGGCAGCTAGGG[G>A]CAGCAGCTTGGATGCGGACCCTCAGTCCTCAGGCAGGTAAGGCAGGAGTCTGGGCTGGGG-3'
Protein context (NP_001071088.1, residues 26-46): EPSDVDGAAR[Gly36Asp]SSLDADPQSS